The following is an entry in ClinVar:

NM_000128.4(F11):c.937dup (p.Ser313fs)

Gene: F11 (coagulation factor XI; plus strand). Cytogenetic location: 4q35.2.
Variant type: Duplication.
Coding change: c.937dup on transcript NM_000128.4 (MANE Select); coding-DNA position 937, one base duplicated (A; older notation c.937dupA).
Protein change: p.Ser313fs; shifts the reading frame from serine 313.
Molecular consequence: frameshift variant.
Genome position (GRCh38, 1-based): chr4:186,280,294, A duplicated; the last of 5 consecutive A bases (chr4:186,280,290-186,280,294); duplicating any one gives the same sequence. VCF-style (leftmost placement, unchanged base first): chr4-186280289-C-CA. GRCh37 (hg19) VCF-style: chr4-187201443-C-CA.
Other names: c.889dup, p.Ser297fs (NM_001440590.1, NM_001440596.1); c.937dup, p.Ser313fs (NM_001440593.1); c.667dup, p.Ser223fs (NM_001440605.1, NM_001440607.1); c.619dup, p.Ser207fs (NM_001440606.1, NM_001440608.1); short protein forms S207fs, S223fs, S297fs, S313fs.
Identifiers: ClinVar variation 5015432 (VCV005015432.1).

ClinVar aggregate classification (germline): Pathogenic (1 of 4 stars; one submission).

Conditions:
Hereditary factor XI deficiency disease. Also called: PLASMA THROMBOPLASTIN ANTECEDENT DEFICIENCY; PTA DEFICIENCY; ROSENTHAL SYNDROME; Congenital factor XI deficiency. Identifiers: Orphanet 329, MedGen C0015523, MeSH D005173, MONDO:0012897, OMIM 612416.

Submission:

Myriad Genetics, Inc.
Classification: Pathogenic for Hereditary factor XI deficiency disease. Last evaluated: 2026-01-17. Review status: criteria provided, single submitter. Criteria: Myriad Autosomal Dominant, Autosomal Recessive and X-Linked Classification Criteria (2023). Collection method: clinical testing. Allele origin: unknown.
Comment: NM_000128.3(F11):c.937dupA(S313Kfs*46) is expected to be pathogenic in the context of factor XI deficiency. This variant is predicted to lead to an abnormal or absent protein product due to the creation of a premature termination codon in F11, a gene where loss-of-function variants are known to be pathogenic. Please note: this variant was assessed in the context of healthy population screening.